The following is an entry in ClinVar:

ClinVar aggregate classification (germline): Likely benign (1 of 4 stars; one submission).

Allele frequency attached by ClinVar (database versions not stated): ExAC below 0.00001; TOPMed 0.00001; gnomAD 0.00004 and 0.00003; gnomAD exomes 0.00001.

Submission:

GeneDx
Classification: Likely benign. Last evaluated: 2018-06-08. Review status: criteria provided, single submitter. Criteria: GeneDx Variant Classification (06012015). Collection method: clinical testing. Allele origin: germline. Affected: yes.
Comment: This variant is considered likely benign or benign based on one or more of the following criteria: it is a conservative change, it occurs at a poorly conserved position in the protein, it is predicted to be benign by multiple in silico algorithms, and/or has population frequency not consistent with disease.

NM_001034850.2(RETREG1):c.-34C>T

Genes: RETREG1 (reticulophagy regulator 1; minus strand), RETREG1-AS1 (RETREG1 antisense RNA 1; plus strand), LOC129993734 (ATAC-STARR-seq lymphoblastoid silent region 15947; plus strand). Cytogenetic location: 5p15.1.
Variant type: single nucleotide variant.
Coding change: c.-34C>T on transcript NM_001034850.2; 34 bases upstream of the start codon, C replaced by T.
Genome position (GRCh38, 1-based): chr5:16,617,005, G>A on the plus strand (C>T on the coding strand, the complement: RETREG1 is on the minus strand). VCF-style: chr5-16617005-G-A. GRCh37 (hg19) VCF-style: chr5-16617114-G-A.
Identifiers: ClinVar variation 669181 (VCV000669181.3), dbSNP rs781223612, ClinGen allele CA3210559.
Genomic context (GRCh38, chr5:16,617,005, plus strand): 5'-GTGCTCCGGAGGCGCCGGGCTCGCCATCTTCAGCTGTGCTTCCAGACAGGGACGGGGCCG[G>A]GCGCGCGCGCGGGCGCGCCTGGGTGTGGGTGCCGCCGAGGGCGGGGCGGCGGTGGCGGCA-3'